The following is an entry in ClinVar:

ClinVar aggregate classification (germline): Conflicting classifications of pathogenicity. Review status: criteria provided, conflicting classifications (1 of 4 stars). 4 submissions from 4 submitters: Uncertain significance (3); Likely benign (1). Last evaluated 2026-02-10.

Conditions:
Autosomal dominant epilepsy with auditory features. Identifiers: Orphanet 101046, MedGen C1838062, MONDO:0010898.
Inborn genetic diseases. Identifiers: MedGen C0950123, MeSH D030342.

Allele frequency attached by ClinVar (database versions not stated): gnomAD exomes below 0.00001; TOPMed 0.00001; ExAC 0.00002; gnomAD 0.00005.
gnomAD v4.1: 12 of 1,612,918 alleles (0.00074%); highest among the groups gnomAD compares: Admixed American, 0.013%; 1 homozygote.

Submissions (4):

GeneDx
Classification: Uncertain significance. Last evaluated: 2026-02-10. Review status: criteria provided, single submitter. Criteria: GeneDx Variant Classification Process June 2021. Collection method: clinical testing. Allele origin: germline.
Comment: In silico analysis supports that this missense variant has a deleterious effect on protein structure/function; Has not been previously published as pathogenic or benign to our knowledge

Labcorp Genetics (formerly Invitae), Labcorp
Classification: Likely benign for Autosomal dominant epilepsy with auditory features. Last evaluated: 2025-11-28. Review status: criteria provided, single submitter. Criteria: Invitae Variant Classification Sherloc (09022015). Collection method: clinical testing. Allele origin: germline.

Ambry Genetics
Classification: Uncertain significance for Inborn genetic diseases. Last evaluated: 2025-05-05. Review status: criteria provided, single submitter. Criteria: Ambry Variant Classification Scheme 2023. Collection method: clinical testing. Allele origin: germline.

Blueprint Genetics
Classification: Uncertain significance. Last evaluated: 2024-10-24. Review status: criteria provided, single submitter. Criteria: ACMG Guidelines, 2015. Collection method: clinical testing. Allele origin: germline.

NM_005097.4(LGI1):c.738T>A (p.Asn246Lys)

Gene: LGI1 (leucine rich glioma inactivated 1; plus strand). Cytogenetic location: 10q23.33.
Variant type: single nucleotide variant.
Coding change: c.738T>A on transcript NM_005097.4 (MANE Select); coding-DNA position 738, T replaced by A.
Protein change: p.Asn246Lys; replaces asparagine 246 with lysine.
Molecular consequence: missense variant. On other transcripts: non-coding transcript variant (1).
Genome position (GRCh38, 1-based): chr10:93,793,250, T>A. VCF-style: chr10-93793250-T-A. GRCh37 (hg19) VCF-style: chr10-95553007-T-A.
Other names: c.738T>A, p.Asn246Lys (NM_001308275.2); c.594T>A, p.Asn198Lys (NM_001308276.2); short protein forms N246K, N198K.
Identifiers: ClinVar variation 408591 (VCV000408591.17), dbSNP rs781404129, ClinGen allele CA5611173.